The following is an entry in ClinVar:

ClinVar aggregate classification (germline): Likely pathogenic (1 of 4 stars; one submission).

Conditions:
Congenital hydrocephalus. Identifiers: Orphanet 2185, MedGen C0020256, MONDO:0016349.

Submission:

Clinical Genetics Laboratory, Skane University Hospital Lund
Classification: Likely pathogenic for Congenital hydrocephalus. Last evaluated: 2025-12-09. Review status: criteria provided, single submitter. Criteria: ACMG Guidelines, 2015. Collection method: clinical testing. Allele origin: germline. Affected: yes.
Comment: PVS1, PM2

NM_003074.4(SMARCC1):c.1676T>A (p.Leu559Ter)

Gene: SMARCC1 (SWI/SNF related BAF chromatin remodeling complex subunit C1; minus strand). Cytogenetic location: 3p21.31.
Variant type: single nucleotide variant.
Coding change: c.1676T>A on transcript NM_003074.4 (MANE Select); coding-DNA position 1676, T replaced by A.
Protein change: p.Leu559Ter; replaces leucine 559 with a stop codon.
Molecular consequence: nonsense.
Genome position (GRCh38, 1-based): chr3:47,676,678, A>T on the plus strand (T>A on the coding strand, the complement: SMARCC1 is on the minus strand). VCF-style: chr3-47676678-A-T. GRCh37 (hg19) VCF-style: chr3-47718168-A-T.
Other names: short protein forms L559*.
Identifiers: ClinVar variation 4536632 (VCV004536632.1).